The following is an entry in ClinVar:

ClinVar aggregate classification (germline): Likely benign. Review status: criteria provided, multiple submitters, no conflicts (2 of 4 stars). 3 submissions from 3 submitters: Likely benign (3). Last evaluated 2025-05-02.

Conditions:
Familial cold autoinflammatory syndrome 3 (FCAS3). Also called: ANTIBODY DEFICIENCY AND IMMUNE DYSREGULATION, PLCG2-ASSOCIATED; FAMILIAL ATYPICAL COLD URTICARIA. Identifiers: Orphanet 300359, MedGen C3280914, MONDO:0013766, OMIM 614468.

Allele frequency attached by ClinVar (database versions not stated): gnomAD 0.00003 and 0.00005; gnomAD exomes 0.00005 and 0.00009; TOPMed 0.00006; ExAC 0.00007; 1000 Genomes Project 30x 0.00031; 1000 Genomes Project 0.00040.
gnomAD v4.1: 132 of 1,614,058 alleles (0.0082%); highest among the groups gnomAD compares: Middle Eastern, 0.017%; no homozygotes.

Submissions (3):

Labcorp Genetics (formerly Invitae), Labcorp
Classification: Likely benign for Familial cold autoinflammatory syndrome 3. Last evaluated: 2025-05-02. Review status: criteria provided, single submitter. Criteria: Invitae Variant Classification Sherloc (09022015). Collection method: clinical testing. Allele origin: germline.

Blueprint Genetics
Classification: Likely benign. Last evaluated: 2024-10-16. Review status: criteria provided, single submitter. Criteria: ACMG Guidelines, 2015. Collection method: clinical testing. Allele origin: germline.

ARUP Laboratories, Molecular Genetics and Genomics, ARUP Laboratories
Classification: Likely benign. Last evaluated: 2017-07-18. Review status: criteria provided, single submitter. Criteria: ARUP Molecular Germline Variant Investigation Process. Collection method: clinical testing. Allele origin: germline.
Comment: The c.2121C>T variant (rs527809751) does not alter the amino acid sequence of the PLCG2 protein and computational splice site prediction algorithms do not predict a change in the nearest splice site or creation of a cryptic splice site. This variant has not been reported in association with primary antibody deficiency in medical literature or in gene specific variation databases. This variant is listed in the genome Aggregation Database (gnomAD) with an overall population frequency of 0.005 percent (identified on 14 out of 277,164 chromosomes). Based on these observations, the c.2121C>T variant is likely to be benign.

NM_002661.5(PLCG2):c.2121C>T (p.Ser707=)

Gene: PLCG2 (phospholipase C gamma 2; plus strand). Cytogenetic location: 16q23.3.
Variant type: single nucleotide variant.
Coding change: c.2121C>T on transcript NM_002661.5 (MANE Select); coding-DNA position 2121, C replaced by T.
Protein change: p.Ser707=; no amino-acid change (serine 707 retained).
Molecular consequence: synonymous variant.
Genome position (GRCh38, 1-based): chr16:81,919,550, C>T. VCF-style: chr16-81919550-C-T. GRCh37 (hg19) VCF-style: chr16-81953155-C-T.
Identifiers: ClinVar variation 618828 (VCV000618828.18), dbSNP rs527809751, ClinGen allele CA8194097.